The following is an entry in ClinVar:

ClinVar aggregate classification (germline): Uncertain significance (1 of 4 stars; one submission).

Allele frequency attached by ClinVar (database versions not stated): TOPMed 0.00001.
gnomAD v4.1: 1 of 1,493,226 alleles (0.000067%); highest among the groups gnomAD compares: South Asian, 0.0014%; no homozygotes.

Submission:

Labcorp Genetics (formerly Invitae), Labcorp
Classification: Uncertain significance. Last evaluated: 2025-02-18. Review status: criteria provided, single submitter. Criteria: Invitae Variant Classification Sherloc (09022015). Collection method: clinical testing. Allele origin: germline.
Comment: This sequence change replaces alanine, which is neutral and non-polar, with threonine, which is neutral and polar, at codon 61 of the MRAS protein (p.Ala61Thr). This variant is not present in population databases (gnomAD no frequency). This variant has not been reported in the literature in individuals affected with MRAS-related conditions. ClinVar contains an entry for this variant (Variation ID: 1511945). An algorithm developed to predict the effect of missense changes on protein structure and function (PolyPhen-2) suggests that this variant is likely to be disruptive. In summary, the available evidence is currently insufficient to determine the role of this variant in disease. Therefore, it has been classified as a Variant of Uncertain Significance.

NM_001085049.3(MRAS):c.181G>A (p.Ala61Thr)

Gene: MRAS (muscle RAS oncogene homolog; plus strand). Cytogenetic location: 3q22.3.
Variant type: single nucleotide variant.
Coding change: c.181G>A on transcript NM_001085049.3 (MANE Select); coding-DNA position 181, G replaced by A.
Protein change: p.Ala61Thr; replaces alanine 61 with threonine.
Molecular consequence: missense variant. On other transcripts: intron variant (3).
Genome position (GRCh38, 1-based): chr3:138,373,064, G>A. VCF-style: chr3-138373064-G-A. GRCh37 (hg19) VCF-style: chr3-138091906-G-A.
Other names: c.181G>A, p.Ala61Thr (NM_001252090.2, NM_012219.4); c.-35-24260G>A (NM_001252091.1, NM_001252093.2); c.-36+24032G>A (NM_001252092.2); short protein forms A61T.
Identifiers: ClinVar variation 1511945 (VCV001511945.6), dbSNP rs1157596507, ClinGen allele CA354672652.